The following is an entry in ClinVar:

NM_000548.5(TSC2):c.1359C>G (p.Phe453Leu)

Gene: TSC2 (TSC complex subunit 2; plus strand). Cytogenetic location: 16p13.3.
Variant type: single nucleotide variant.
Coding change: c.1359C>G on transcript NM_000548.5 (MANE Select); coding-DNA position 1359, C replaced by G.
Protein change: p.Phe453Leu; replaces phenylalanine 453 with leucine.
Molecular consequence: missense variant. On other transcripts: 5 prime UTR variant (1), non-coding transcript variant (5).
Genome position (GRCh38, 1-based): chr16:2,062,598, C>G. VCF-style: chr16-2062598-C-G. GRCh37 (hg19) VCF-style: chr16-2112599-C-G.
Other names: c.15C>G, p.Phe5Leu (NM_001406695.1, NM_001406696.1, NM_001406697.1 and 6 more transcripts); c.-162C>G (NM_001406698.1); c.1359C>G, p.Phe453Leu (NM_021055.3, NM_001077183.3, NM_001114382.3 and 6 more transcripts); c.1248C>G, p.Phe416Leu (NM_001318827.2, NM_001406670.1, NM_001406678.1); c.1212C>G, p.Phe404Leu (NM_001318829.2, NM_001406675.1, NM_001406676.1 and 1 more transcripts); c.759C>G, p.Phe253Leu (NM_001318831.2, NM_001406680.1, NM_001406682.1 and 6 more transcripts); c.1392C>G, p.Phe464Leu (NM_001318832.2); c.897C>G, p.Phe299Leu (NM_001406681.1); and 3 more; short protein forms F416L, F453L, F5L, F299L, F404L, F253L, F434L, F449L.
Identifiers: ClinVar variation 3974656 (VCV003974656.1).

ClinVar aggregate classification (germline): Uncertain significance (1 of 4 stars; one submission).

Conditions:
Hereditary cancer-predisposing syndrome. Also called: Tumor predisposition; Hereditary neoplastic syndrome; Hereditary Cancer Syndrome; Neoplastic Syndromes, Hereditary. Identifiers: Orphanet 140162, MedGen C0027672, MeSH D009386, MONDO:0015356.

Submission:

Ambry Genetics
Classification: Uncertain significance for Hereditary cancer-predisposing syndrome. Last evaluated: 2025-04-17. Review status: criteria provided, single submitter. Criteria: Ambry Variant Classification Scheme 2023. Collection method: clinical testing. Allele origin: germline.
Comment: The p.F453L variant (also known as c.1359C>G), located in coding exon 12 of the TSC2 gene, results from a C to G substitution at nucleotide position 1359. The phenylalanine at codon 453 is replaced by leucine, an amino acid with highly similar properties. This amino acid position is conserved. In addition, this alteration is predicted to be deleterious by in silico analysis. Based on the available evidence, the clinical significance of this variant remains unclear.